The following is an entry in ClinVar:

NM_001270508.2(TNFAIP3):c.2161T>G (p.Cys721Gly)

Gene: TNFAIP3 (TNF alpha induced protein 3; plus strand). Cytogenetic location: 6q23.3.
Variant type: single nucleotide variant.
Coding change: c.2161T>G on transcript NM_001270508.2 (MANE Select); coding-DNA position 2161, T replaced by G.
Protein change: p.Cys721Gly; replaces cysteine 721 with glycine.
Molecular consequence: missense variant.
Genome position (GRCh38, 1-based): chr6:137,881,107, T>G. VCF-style: chr6-137881107-T-G. GRCh37 (hg19) VCF-style: chr6-138202244-T-G.
Other names: c.2161T>G, p.Cys721Gly (NM_001270507.2, NM_006290.4); short protein forms C721G.
Identifiers: ClinVar variation 1952155 (VCV001952155.6), dbSNP rs770253229, ClinGen allele CA4019813.
Genomic context (GRCh38, chr6:137,881,107, plus strand): 5'-CGCAGAGATGTGCCTCGAACCACACAAAGCACCTCAAGGCCCAAGTGCGCCCGGGCCTCC[T>G]GCAAGAACATCCTGGCCTGCCGCAGCGAGGAGCTCTGCATGGAGTGTCAGCATCCCAACC-3'
Protein context (NP_001257437.1, residues 711-731): TSRPKCARAS[Cys721Gly]KNILACRSEE

ClinVar aggregate classification (germline): Uncertain significance. Review status: criteria provided, multiple submitters, no conflicts (2 of 4 stars). 2 submissions from 2 submitters: Uncertain significance (2). Last evaluated 2025-01-23.

Conditions:
Inborn genetic diseases. Identifiers: MedGen C0950123, MeSH D030342.

Allele frequency attached by ClinVar (database versions not stated): gnomAD exomes below 0.00001; TOPMed 0.00002; gnomAD 0.00001; ExAC 0.00002.
gnomAD v4.1: 7 of 1,613,882 alleles (0.00043%); highest among the groups gnomAD compares: East Asian, 0.013%; no homozygotes.

Submissions (2):

Labcorp Genetics (formerly Invitae), Labcorp
Classification: Uncertain significance. Last evaluated: 2025-01-23. Review status: criteria provided, single submitter. Criteria: Invitae Variant Classification Sherloc (09022015). Collection method: clinical testing. Allele origin: germline.
Comment: This sequence change replaces cysteine, which is neutral and slightly polar, with glycine, which is neutral and non-polar, at codon 721 of the TNFAIP3 protein (p.Cys721Gly). This variant is present in population databases (rs770253229, gnomAD 0.04%). This variant has not been reported in the literature in individuals affected with TNFAIP3-related conditions. ClinVar contains an entry for this variant (Variation ID: 1952155). An algorithm developed to predict the effect of missense changes on protein structure and function (PolyPhen-2) suggests that this variant is likely to be disruptive. In summary, the available evidence is currently insufficient to determine the role of this variant in disease. Therefore, it has been classified as a Variant of Uncertain Significance.

Ambry Genetics
Classification: Uncertain significance for Inborn genetic diseases. Last evaluated: 2021-09-01. Review status: criteria provided, single submitter. Criteria: Ambry Variant Classification Scheme 2023. Collection method: clinical testing. Allele origin: germline.